The following is an entry in ClinVar:

ClinVar aggregate classification (germline): Uncertain significance (1 of 4 stars; one submission).

gnomAD v4.1: 1 of 1,597,258 alleles (0.000063%); highest among the groups gnomAD compares: Admixed American, 0.0018%; no homozygotes.

Submission:

Labcorp Genetics (formerly Invitae), Labcorp
Classification: Uncertain significance. Last evaluated: 2025-04-23. Review status: criteria provided, single submitter. Criteria: Invitae Variant Classification Sherloc (09022015). Collection method: clinical testing. Allele origin: germline.
Comment: This sequence change replaces alanine, which is neutral and non-polar, with serine, which is neutral and polar, at codon 1119 of the AP3D1 protein (p.Ala1119Ser). The frequency data for this variant in the population databases is considered unreliable, as metrics indicate poor data quality at this position in the gnomAD database. This variant has not been reported in the literature in individuals affected with AP3D1-related conditions. An algorithm developed to predict the effect of missense changes on protein structure and function (PolyPhen-2) suggests that this variant is likely to be tolerated. In summary, the available evidence is currently insufficient to determine the role of this variant in disease. Therefore, it has been classified as a Variant of Uncertain Significance.

NM_001261826.3(AP3D1):c.3355G>T (p.Ala1119Ser)

Gene: AP3D1 (adaptor related protein complex 3 subunit delta 1; minus strand). Cytogenetic location: 19p13.3.
Variant type: single nucleotide variant.
Coding change: c.3355G>T on transcript NM_001261826.3 (MANE Select); coding-DNA position 3355, G replaced by T.
Protein change: p.Ala1119Ser; replaces alanine 1119 with serine.
Molecular consequence: missense variant.
Genome position (GRCh38, 1-based): chr19:2,109,203, C>A on the plus strand (G>T on the coding strand, the complement: AP3D1 is on the minus strand). VCF-style: chr19-2109203-C-A. GRCh37 (hg19) VCF-style: chr19-2109202-C-A.
Other names: c.3319G>T, p.Ala1107Ser (NM_001374799.1); c.3169G>T, p.Ala1057Ser (NM_003938.8); short protein forms A1057S, A1107S, A1119S.
Identifiers: ClinVar variation 4718244 (VCV004718244.1).